The following is an entry in ClinVar:

NM_006734.4(HIVEP2):c.1042G>A (p.Asp348Asn)

Gene: HIVEP2 (HIVEP zinc finger 2; minus strand). Cytogenetic location: 6q24.2.
Variant type: single nucleotide variant.
Coding change: c.1042G>A on transcript NM_006734.4 (MANE Select); coding-DNA position 1042, G replaced by A.
Protein change: p.Asp348Asn; replaces aspartic acid 348 with asparagine.
Molecular consequence: missense variant.
Genome position (GRCh38, 1-based): chr6:142,773,697, C>T on the plus strand (G>A on the coding strand, the complement: HIVEP2 is on the minus strand). VCF-style: chr6-142773697-C-T. GRCh37 (hg19) VCF-style: chr6-143094834-C-T.
Other names: c.1042G>A, p.Asp348Asn (NM_001438449.1, NM_001438450.1, NM_001438451.1); short protein forms D348N.
Identifiers: ClinVar variation 4881187 (VCV004881187.2).

ClinVar aggregate classification (germline): Uncertain significance (1 of 4 stars; one submission).

gnomAD v4.1: 1 of 1,614,130 alleles (0.000062%); highest among the groups gnomAD compares: African/African-American, 0.0013%; no homozygotes.

Submission:

Dasa
Classification: Uncertain significance. Last evaluated: 2024-06-30. Review status: criteria provided, single submitter. Criteria: DASA Assertion Criteria. Collection method: clinical testing. Allele origin: germline.
Comment: NM_006734.4(HIVEP2):c.1042G>A (p.Asp348Asn) is a missense variant that results in the substitution of aspartic acid with asparagine. This variant is rare in population databases. Computational prediction algorithms are consistent with a benign effect. The currently available literature and clinical evidence are not sufficient to establish a definitive association between this variant and the reported condition. Therefore, this variant is classified as a variant of uncertain significance.